The following is an entry in ClinVar:

NM_001458.4(FLNC):c.2813delG

Gene: FLNC (filamin C; plus strand). Cytogenetic location: 7q32.1.
Variant type: Deletion.
Coding change: c.2813delG on transcript NM_001458.4; coding-DNA position 2813, one base deleted (G).
Genome position (GRCh38, 1-based): chr7:128,843,797, G deleted; the last of 3 consecutive G bases (chr7:128,843,795-128,843,797); deleting any one gives the same sequence. VCF-style (leftmost placement, unchanged base first): chr7-128843794-AG-A. GRCh37 (hg19) VCF-style: chr7-128483848-AG-A.
Identifiers: ClinVar variation 3279222 (VCV003279222.1).

ClinVar aggregate classification (germline): Pathogenic (1 of 4 stars; one submission).

Conditions:
Cardiovascular phenotype. Identifiers: MedGen CN230736.

Submission:

Ambry Genetics
Classification: Pathogenic for Cardiovascular phenotype. Last evaluated: 2024-05-17. Review status: criteria provided, single submitter. Criteria: Ambry Variant Classification Scheme 2023. Collection method: clinical testing. Allele origin: germline.
Comment: The c.2813delG pathogenic mutation, located in coding exon 19 of the FLNC gene, results from a deletion of one nucleotide at nucleotide position 2813, causing a translational frameshift with a predicted alternate stop codon (p.G938Afs*5). This variant is considered to be rare based on population cohorts in the Genome Aggregation Database (gnomAD). This alteration is expected to result in loss of function by premature protein truncation or nonsense-mediated mRNA decay. As such, this alteration is interpreted as a disease-causing mutation for FLNC-related dilated cardiomyopathy; however, its clinical significance for FLNC-related hypertrophy/restrictive cardiomyopathy and/or skeletal myopathy is uncertain.